The following is an entry in ClinVar:

ClinVar aggregate classification (germline): Uncertain significance. Review status: criteria provided, multiple submitters, no conflicts (2 of 4 stars). 6 submissions from 6 submitters: Uncertain significance (6). Last evaluated 2026-02-03.

Conditions:
GUSB-related disorder. Also called: GUSB-related condition.
Inborn genetic diseases. Identifiers: MedGen C0950123, MeSH D030342.
Mucopolysaccharidosis type 7 (MPS7). Also called: MPS VII; SLY SYNDROME; BETA-GLUCURONIDASE DEFICIENCY; GUSB DEFICIENCY. Identifiers: Orphanet 584, MedGen C0085132, MONDO:0009662, OMIM 253220.

Allele frequency attached by ClinVar (database versions not stated): ExAC 0.00016; gnomAD 0.00016 and 0.00017; TOPMed 0.00020; gnomAD exomes 0.00023 and 0.00045; ESP Exome Variant Server 0.00038.
gnomAD v4.1: 732 of 1,613,738 alleles (0.045%); highest among the groups gnomAD compares: Non-Finnish European, 0.054%; no homozygotes.

Submissions (6):

PreventionGenetics, part of Exact Sciences
Classification: Uncertain significance for GUSB-related condition. Last evaluated: 2026-02-03. Review status: criteria provided, single submitter. Criteria: ACMG Guidelines, 2015. Collection method: clinical testing. Allele origin: germline.
Comment: The GUSB c.695C>G variant is predicted to result in the amino acid substitution p.Thr232Ser. To our knowledge, this variant has not been reported in the literature. This variant is reported in 0.087% of alleles in individuals of Ashkenazi Jewish descent in gnomAD. Although we suspect that this variant may be benign, at this time, the clinical significance of this variant is uncertain due to the absence of conclusive functional and genetic evidence.

GeneDx
Classification: Uncertain significance. Last evaluated: 2024-06-28. Review status: criteria provided, single submitter. Criteria: GeneDx Variant Classification Process June 2021. Collection method: clinical testing. Allele origin: germline. Affected: yes.
Comment: In silico analysis indicates that this missense variant does not alter protein structure/function; Has not been previously published as pathogenic or benign to our knowledge

Ambry Genetics
Classification: Uncertain significance for Inborn genetic diseases. Last evaluated: 2024-04-01. Review status: criteria provided, single submitter. Criteria: Ambry Variant Classification Scheme 2023. Collection method: clinical testing. Allele origin: germline.

Department of Pathology and Laboratory Medicine, Sinai Health System
Classification: Uncertain significance for Mucopolysaccharidosis type 7. Last evaluated: 2023-11-08. Review status: criteria provided, single submitter. Criteria: ACMG Guidelines, 2015. Collection method: research. Allele origin: germline.

Labcorp Genetics (formerly Invitae), Labcorp
Classification: Uncertain significance for Mucopolysaccharidosis type 7. Last evaluated: 2022-03-11. Review status: criteria provided, single submitter. Criteria: Invitae Variant Classification Sherloc (09022015). Collection method: clinical testing. Allele origin: germline.
Comment: This sequence change replaces threonine, which is neutral and polar, with serine, which is neutral and polar, at codon 232 of the GUSB protein (p.Thr232Ser). This variant is present in population databases (rs138618819, gnomAD 0.09%). This variant has not been reported in the literature in individuals affected with GUSB-related conditions. ClinVar contains an entry for this variant (Variation ID: 908807). Algorithms developed to predict the effect of missense changes on protein structure and function (SIFT, PolyPhen-2, Align-GVGD) all suggest that this variant is likely to be tolerated. Algorithms developed to predict the effect of sequence changes on RNA splicing suggest that this variant may create or strengthen a splice site. In summary, the available evidence is currently insufficient to determine the role of this variant in disease. Therefore, it has been classified as a Variant of Uncertain Significance.

Illumina Laboratory Services, Illumina
Classification: Uncertain significance for Mucopolysaccharidosis type 7. Last evaluated: 2018-01-13. Review status: criteria provided, single submitter. Criteria: ICSL Variant Classification Criteria 13 December 2019. Collection method: clinical testing. Allele origin: germline.

NM_000181.4(GUSB):c.695C>G (p.Thr232Ser)

Gene: GUSB (glucuronidase beta; minus strand). Cytogenetic location: 7q11.21.
Variant type: single nucleotide variant.
Coding change: c.695C>G on transcript NM_000181.4 (MANE Select); coding-DNA position 695, C replaced by G.
Protein change: p.Thr232Ser; replaces threonine 232 with serine.
Molecular consequence: missense variant. On other transcripts: non-coding transcript variant (1), intron variant (2).
Genome position (GRCh38, 1-based): chr7:65,979,428, G>C on the plus strand (C>G on the coding strand, the complement: GUSB is on the minus strand). VCF-style: chr7-65979428-G-C. GRCh37 (hg19) VCF-style: chr7-65444415-G-C.
Other names: c.125C>G, p.Thr42Ser (NM_001293104.2); c.67+796C>G (NM_001293105.2); c.474+406C>G (NM_001284290.2); short protein forms T232S, T42S.
Identifiers: ClinVar variation 908807 (VCV000908807.13), dbSNP rs138618819, ClinGen allele CA4276558.
Genomic context (GRCh38, chr7:65,979,428, plus strand): 5'-CCGCTGAGAGGATCCTACCAGAAGCCCTCACCACTGTCTTGCTCCACGCTGGTGGTGACG[G>C]TGATGTCATCGATGTAGGTGGTGGGTGTCGTGTACAGAAGTACAGACCGCTGCAGTCCAG-3'
Protein context (NP_000172.2, residues 222-242): TTPTTYIDDI[Thr232Ser]VTTSVEQDSG